The following is an entry in ClinVar:

ClinVar aggregate classification (germline): Conflicting classifications of pathogenicity. Review status: criteria provided, conflicting classifications (1 of 4 stars). 2 submissions from 2 submitters: Uncertain significance (1); Likely benign (1). Last evaluated 2024-03-25.

Conditions:
Inborn genetic diseases. Identifiers: MedGen C0950123, MeSH D030342.

Allele frequency attached by ClinVar (database versions not stated): TOPMed below 0.00001; ExAC 0.00001; gnomAD exomes 0.00002.
gnomAD v4.1: 4 of 1,203,221 alleles (0.00033%); highest among the groups gnomAD compares: East Asian, 0.0059%; no homozygotes.

Submissions (2):

Ambry Genetics
Classification: Likely benign for Inborn genetic diseases. Last evaluated: 2024-03-25. Review status: criteria provided, single submitter. Criteria: Ambry Variant Classification Scheme 2023. Collection method: clinical testing. Allele origin: germline.

Labcorp Genetics (formerly Invitae), Labcorp
Classification: Uncertain significance. Last evaluated: 2020-10-21. Review status: criteria provided, single submitter. Criteria: Invitae Variant Classification Sherloc (09022015). Collection method: clinical testing. Allele origin: germline.
Comment: This sequence change replaces threonine with methionine at codon 1063 of the POLA1 protein (p.Thr1063Met). The threonine residue is moderately conserved and there is a moderate physicochemical difference between threonine and methionine. The frequency data for this variant in the population databases is considered unreliable, as metrics indicate poor data quality at this position in the ExAC database. This variant has not been reported in the literature in individuals with POLA1-related conditions. Algorithms developed to predict the effect of missense changes on protein structure and function output the following: SIFT: "Tolerated"; PolyPhen-2: "Possibly Damaging"; Align-GVGD: "Class C0". The methionine amino acid residue is found in multiple mammalian species, suggesting that this missense change does not adversely affect protein function. These predictions have not been confirmed by published functional studies and their clinical significance is uncertain. In summary, the available evidence is currently insufficient to determine the role of this variant in disease. Therefore, it has been classified as a Variant of Uncertain Significance.

NM_001330360.2(POLA1):c.3206C>T (p.Thr1069Met)

Gene: POLA1 (DNA polymerase alpha 1, catalytic subunit; plus strand). Cytogenetic location: Xp22.11.
Variant type: single nucleotide variant.
Coding change: c.3206C>T on transcript NM_001330360.2 (MANE Select); coding-DNA position 3206, C replaced by T.
Protein change: p.Thr1069Met; replaces threonine 1069 with methionine.
Molecular consequence: missense variant. On other transcripts: non-coding transcript variant (2).
Genome position (GRCh38, 1-based): chrX:24,812,773, C>T. VCF-style: chrX-24812773-C-T. GRCh37 (hg19) VCF-style: chrX-24830890-C-T.
Other names: c.3131C>T, p.Thr1044Met (NM_001378303.1); c.3188C>T, p.Thr1063Met (NM_016937.4); c.3188C>T (NM_016937.3); short protein forms T1063M, T1044M, T1069M.
Identifiers: ClinVar variation 1521055 (VCV001521055.9), dbSNP rs773963015, ClinGen allele CA10373492.